The following is an entry in ClinVar:

ClinVar aggregate classification (germline): Uncertain significance (1 of 4 stars; one submission).

Conditions:
Hereditary cancer-predisposing syndrome. Also called: Neoplastic Syndromes, Hereditary; Tumor predisposition; Hereditary neoplastic syndrome; Hereditary Cancer Syndrome. Identifiers: Orphanet 140162, MedGen C0027672, MeSH D009386, MONDO:0015356.

Submission:

Ambry Genetics
Classification: Uncertain significance for Hereditary cancer-predisposing syndrome. Last evaluated: 2024-03-27. Review status: criteria provided, single submitter. Criteria: Ambry Variant Classification Scheme 2023. Collection method: clinical testing. Allele origin: germline.
Comment: The p.C730W variant (also known as c.2190T>G), located in coding exon 13 of the ATM gene, results from a T to G substitution at nucleotide position 2190. The cysteine at codon 730 is replaced by tryptophan, an amino acid with highly dissimilar properties. This amino acid position is conserved. In addition, the in silico prediction for this alteration is inconclusive. Based on the available evidence, the clinical significance of this alteration remains unclear.

NM_000051.4(ATM):c.2190T>G (p.Cys730Trp)

Gene: ATM (ATM serine/threonine kinase; plus strand). Cytogenetic location: 11q22.3.
Variant type: single nucleotide variant.
Coding change: c.2190T>G on transcript NM_000051.4 (MANE Select); coding-DNA position 2190, T replaced by G.
Protein change: p.Cys730Trp; replaces cysteine 730 with tryptophan.
Molecular consequence: missense variant.
Genome position (GRCh38, 1-based): chr11:108,256,280, T>G. VCF-style: chr11-108256280-T-G. GRCh37 (hg19) VCF-style: chr11-108127007-T-G.
Other names: c.2190T>G, p.Cys730Trp (NM_001351834.2); short protein forms C730W.
Identifiers: ClinVar variation 3325201 (VCV003325201.1).